The following is an entry in ClinVar:

ClinVar aggregate classification (germline): Benign/Likely benign. Review status: criteria provided, multiple submitters, no conflicts (2 of 4 stars). 3 submissions from 3 submitters: Benign (1); Likely benign (2). Last evaluated 2026-08-04.

Conditions:
Familial colorectal cancer type X. Identifiers: Orphanet 440437, MedGen C3896578, MONDO:0018604.

Allele frequency attached by ClinVar (database versions not stated): gnomAD exomes below 0.00001; ExAC 0.00001; TOPMed 0.00001.

Submissions (3):

Myriad Genetics, Inc.
Classification: Benign for Familial colorectal cancer type X. Last evaluated: 2026-08-04. Review status: criteria provided, single submitter. Criteria: Myriad Autosomal Dominant, Autosomal Recessive and X-Linked Classification Criteria (2023). Collection method: clinical testing. Allele origin: unknown.
Comment: This variant is considered benign. This variant is intronic and is not expected to impact mRNA splicing.

Labcorp Genetics (formerly Invitae), Labcorp
Classification: Likely benign. Last evaluated: 2023-06-03. Review status: criteria provided, single submitter. Criteria: Invitae Variant Classification Sherloc (09022015). Collection method: clinical testing. Allele origin: germline.

Ambry Genetics
Classification: Likely benign. Last evaluated: 2022-04-19. Review status: criteria provided, single submitter. Criteria: Ambry Variant Classification Scheme 2023. Collection method: clinical testing. Allele origin: germline.

NM_001023.4(RPS20):c.348T>C (p.Ile116=)

Gene: RPS20 (ribosomal protein S20; minus strand). Cytogenetic location: 8q12.1.
Variant type: single nucleotide variant.
Coding change: c.348T>C on transcript NM_001023.4 (MANE Select); coding-DNA position 348, T replaced by C.
Protein change: p.Ile116=; no amino-acid change (isoleucine 116 retained).
Molecular consequence: synonymous variant. On other transcripts: intron variant (1).
Genome position (GRCh38, 1-based): chr8:56,073,102, A>G on the plus strand (T>C on the coding strand, the complement: RPS20 is on the minus strand). VCF-style: chr8-56073102-A-G. GRCh37 (hg19) VCF-style: chr8-56985661-A-G.
Other names: c.333+15T>C (NM_001146227.3).
Identifiers: ClinVar variation 1113798 (VCV001113798.12), dbSNP rs754631108, ClinGen allele CA4754313.